The following is an entry in ClinVar:

NM_000293.3(PHKB):c.2345_2355del (p.Val782fs)

Gene: PHKB (phosphorylase kinase regulatory subunit beta; plus strand). Cytogenetic location: 16q12.1.
Variant type: Deletion.
Coding change: c.2345_2355del on transcript NM_000293.3 (MANE Select); coding-DNA positions 2345 to 2355, 11 bases deleted (TGCGCTACGGG).
Protein change: p.Val782fs; shifts the reading frame from valine 782.
Molecular consequence: frameshift variant. On other transcripts: intron variant (2).
Genome position (GRCh38, 1-based): chr16:47,664,893-47,664,903, TGCGCTACGGG deleted; deleting any 11 consecutive bases within chr16:47,664,891-47,664,903 gives the same sequence; the c. name uses the placement nearest the transcript's 3' end. VCF-style (leftmost placement, unchanged base first): chr16-47664890-CGGTGCGCTACG-C. GRCh37 (hg19) VCF-style: chr16-47698801-CGGTGCGCTACG-C.
Other names: c.2337-1049_2337-1039del (NM_001363837.1); c.2316-1049_2316-1039del (NM_001031835.3); short protein forms V782fs.
Identifiers: ClinVar variation 2751289 (VCV002751289.3), dbSNP rs2506621905, ClinGen allele CA2697555817.

ClinVar aggregate classification (germline): Pathogenic (1 of 4 stars; one submission).

Conditions:
Glycogen storage disease IXb (GSD9B). Also called: GLYCOGENOSIS OF LIVER AND MUSCLE, AUTOSOMAL RECESSIVE; GSD IXb; PHOSPHORYLASE KINASE DEFICIENCY OF LIVER AND MUSCLE, AUTOSOMAL RECESSIVE. Identifiers: Orphanet 79240, MedGen C0543514, MONDO:0009868, OMIM 261750.

Submission:

Labcorp Genetics (formerly Invitae), Labcorp
Classification: Pathogenic for Glycogen storage disease IXb. Last evaluated: 2023-08-16. Review status: criteria provided, single submitter. Criteria: Invitae Variant Classification Sherloc (09022015). Collection method: clinical testing. Allele origin: germline.
Comment: This variant is not present in population databases (gnomAD no frequency). This sequence change creates a premature translational stop signal (p.Val782Glyfs*33) in the PHKB gene. It is expected to result in an absent or disrupted protein product. Loss-of-function variants in PHKB are known to be pathogenic (PMID: 9215682, 9326319). This variant has not been reported in the literature in individuals affected with PHKB-related conditions. Algorithms developed to predict the effect of sequence changes on RNA splicing suggest that this variant may disrupt the consensus splice site. For these reasons, this variant has been classified as Pathogenic.

Literature cited by the submitters: PubMed 9215682; PubMed 9326319.